The following is an entry in ClinVar:

NM_003124.5(SPR):c.86C>A (p.Ser29Ter)

Genes: SPR (sepiapterin reductase; plus strand), LOC129934069 (ATAC-STARR-seq lymphoblastoid silent region 11626; plus strand). Cytogenetic location: 2p13.2.
Variant type: single nucleotide variant.
Coding change: c.86C>A on transcript NM_003124.5 (MANE Select); coding-DNA position 86, C replaced by A.
Protein change: p.Ser29Ter; replaces serine 29 with a stop codon.
Molecular consequence: nonsense.
Genome position (GRCh38, 1-based): chr2:72,887,518, C>A. VCF-style: chr2-72887518-C-A. GRCh37 (hg19) VCF-style: chr2-73114647-C-A.
Other names: short protein forms S29*.
Identifiers: ClinVar variation 3362269 (VCV003362269.3).

ClinVar aggregate classification (germline): Likely pathogenic (1 of 4 stars; one submission).

Conditions:
Dopa-responsive dystonia due to sepiapterin reductase deficiency. Also called: SPR DEFICIENCY; Sepiapterin reductase deficiency; DYT-SPR. Identifiers: Orphanet 70594, MedGen C0268468, MONDO:0012994, OMIM 612716.

Submission:

Neuberg Centre For Genomic Medicine, NCGM
Classification: Likely pathogenic for Dopa-responsive dystonia due to sepiapterin reductase deficiency. Last evaluated: 2023-06-02. Review status: criteria provided, single submitter. Criteria: ACMG Guidelines, 2015. Collection method: clinical testing. Allele origin: germline. Inheritance: Autosomal recessive inheritance. Affected: yes.
Comment: The observed stop gained variant c.86C>A(p.Ser29Ter) in SPR gene has not been reported previously as a pathogenic variant nor as a benign variant, to our knowledge. The (p.Ser29Ter) variant is absent in gnomAD Exomes. Computational evidence (Mutation Taster - Disease causing) predicts damaging effect on protein structure and function for this variant. This variant is predicted to cause loss of normal protein function through protein truncation. Loss of function variants have been previously reported to be disease causing (Dill P, et al., 2012). For these reasons, this variant has been classified as Likely Pathogenic.